The following is an entry in ClinVar:

ClinVar aggregate classification (germline): Uncertain significance. Review status: criteria provided, multiple submitters, no conflicts (2 of 4 stars). 4 submissions from 4 submitters: Uncertain significance (3). 1 of the submissions does not count toward it. Last evaluated 2025-03-02.

Conditions:
Baller-Gerold syndrome (BGS). Also called: CRANIOSYNOSTOSIS WITH RADIAL DEFECTS. Identifiers: Orphanet 1225, MedGen C0265308, MONDO:0009039, OMIM 218600.
Hereditary cancer-predisposing syndrome. Also called: Hereditary neoplastic syndrome; Hereditary Cancer Syndrome; Tumor predisposition; Neoplastic Syndromes, Hereditary. Identifiers: Orphanet 140162, MedGen C0027672, MeSH D009386, MONDO:0015356.
RECQL4-related disorder. Also called: RECQL4-related condition; RECQL4-related disorders.

gnomAD v4.1: 6 of 1,610,436 alleles (0.00037%); highest among the groups gnomAD compares: African/African-American, 0.0013%; no homozygotes.

Submissions (4):

Labcorp Genetics (formerly Invitae), Labcorp
Classification: Uncertain significance for Baller-Gerold syndrome. Last evaluated: 2025-03-02. Review status: criteria provided, single submitter. Criteria: Invitae Variant Classification Sherloc (09022015). Collection method: clinical testing. Allele origin: germline.
Comment: This sequence change replaces arginine, which is basic and polar, with glutamine, which is neutral and polar, at codon 84 of the RECQL4 protein (p.Arg84Gln). The frequency data for this variant in the population databases is considered unreliable, as metrics indicate poor data quality at this position in the gnomAD database. This variant has not been reported in the literature in individuals affected with RECQL4-related conditions. ClinVar contains an entry for this variant (Variation ID: 645421). Invitae Evidence Modeling of protein sequence and biophysical properties (such as structural, functional, and spatial information, amino acid conservation, physicochemical variation, residue mobility, and thermodynamic stability) indicates that this missense variant is expected to disrupt RECQL4 protein function with a positive predictive value of 80%. In summary, the available evidence is currently insufficient to determine the role of this variant in disease. Therefore, it has been classified as a Variant of Uncertain Significance.

Sema4
Classification: Uncertain significance for Hereditary cancer-predisposing syndrome. Last evaluated: 2021-11-15. Review status: criteria provided, single submitter. Criteria: Sema4 Curation Guidelines. Collection method: curation. Allele origin: germline.
Comment: The RECQL4 c.251G>A (p.R84Q) variant has not been reported in the literature to our knowledge. This variant is reported in 2/239894 across all populations in the large and broad cohorts of the Genome Aggregation Database (PMID: 32461654). This variant has been reported in ClinVar (Variation ID 645421). In silico tools suggest the impact of the variant on protein function is benign, though these predictions have not been confirmed by functional studies. The overall evidence is insufficient to meet ACMG/AMP criteria for classifying it as benign or pathogenic. In summary, the clinical significance of this variant is currently uncertain.

Institute for Clinical Genetics, University Hospital TU Dresden, University Hospital TU Dresden
Classification: Uncertain significance. Last evaluated: 2021-11-03. Review status: criteria provided, single submitter. Criteria: ACMG Guidelines, 2015. Collection method: clinical testing. Allele origin: germline.

PreventionGenetics, part of Exact Sciences
Classification: Uncertain significance for RECQL4-related condition. Last evaluated: 2024-08-15. Review status: no assertion criteria provided. Collection method: clinical testing. Allele origin: germline. Not counted in ClinVar's aggregate classification.
Comment: The RECQL4 c.251G>A variant is predicted to result in the amino acid substitution p.Arg84Gln. To our knowledge, this variant has not been reported in the literature. This variant is reported in 0.0069% of alleles in individuals of African descent in gnomAD. This variant is interpreted as a variant of uncertain significance in ClinVar. At this time, the clinical significance of this variant is uncertain due to the absence of conclusive functional and genetic evidence.

NM_004260.4(RECQL4):c.251G>A (p.Arg84Gln)

Gene: RECQL4 (RecQ like helicase 4; minus strand). Cytogenetic location: 8q24.3.
Variant type: single nucleotide variant.
Coding change: c.251G>A on transcript NM_004260.4 (MANE Select); coding-DNA position 251, G replaced by A.
Protein change: p.Arg84Gln; replaces arginine 84 with glutamine.
Molecular consequence: missense variant.
Genome position (GRCh38, 1-based): chr8:144,517,153, C>T on the plus strand (G>A on the coding strand, the complement: RECQL4 is on the minus strand). VCF-style: chr8-144517153-C-T. GRCh37 (hg19) VCF-style: chr8-145742537-C-T.
Other names: short protein forms R84Q.
Identifiers: ClinVar variation 645421 (VCV000645421.10), dbSNP rs745596664, ClinGen allele CA4949409.